The following is an entry in ClinVar:

ClinVar aggregate classification (germline): Pathogenic (1 of 4 stars; one submission).

Submission:

Labcorp Genetics (formerly Invitae), Labcorp
Classification: Pathogenic. Last evaluated: 2024-11-16. Review status: criteria provided, single submitter. Criteria: Invitae Variant Classification Sherloc (09022015). Collection method: clinical testing. Allele origin: germline.
Comment: This sequence change creates a premature translational stop signal (p.Arg827Ilefs*14) in the MTHFD1 gene. It is expected to result in an absent or disrupted protein product. Loss-of-function variants in MTHFD1 are known to be pathogenic (PMID: 21813566, 25633902). This variant is not present in population databases (gnomAD no frequency). This variant has not been reported in the literature in individuals affected with MTHFD1-related conditions. For these reasons, this variant has been classified as Pathogenic.

Literature cited by the submitters: PubMed 21813566; PubMed 25633902.

NM_005956.4(MTHFD1):c.2479_2480insTTGCACA (p.Arg827fs)

Genes: MTHFD1 (methylenetetrahydrofolate dehydrogenase, cyclohydrolase and formyltetrahydrofolate synthetase 1; plus strand), ZBTB25 (zinc finger and BTB domain containing 25; minus strand). Cytogenetic location: 14q23.3.
Variant type: Insertion.
Coding change: c.2479_2480insTTGCACA on transcript NM_005956.4 (MANE Select); coding-DNA positions 2479 to 2480, TTGCACA inserted.
Protein change: p.Arg827fs; shifts the reading frame from arginine 827.
Molecular consequence: frameshift variant. On other transcripts: intron variant (1).
Genome position: GRCh38 VCF-style: chr14-64453773-T-TCATTGCA. GRCh37 (hg19) VCF-style: chr14-64920491-T-TCATTGCA.
Other names: c.2479_2480insTTGCACA, p.Arg827fs (NM_001364837.1); c.174-4136_174-4135insTGTGCAA (NM_001304508.1); short protein forms R827fs.
Identifiers: ClinVar variation 3708491 (VCV003708491.2).
Genomic context (GRCh38, chr14:64,453,773, plus strand): 5'-GTGTCCAGTCATGGTGTCCCCATCTCTTTCTTGTGCATTAGCTCCCAGTTGAGGATAAAA[T>TCATTGCA]CAGGATCATTGCACAGAAGATCTATGGAGCAGATGACATTGAATTACTTCCCGAAGCTCA-3'